The following is an entry in ClinVar:

NM_001042492.3(NF1):c.4344T>C (p.Ser1448=)

Gene: NF1 (neurofibromin 1; plus strand). Cytogenetic location: 17q11.2.
Variant type: single nucleotide variant.
Coding change: c.4344T>C on transcript NM_001042492.3 (MANE Select); coding-DNA position 4344, T replaced by C.
Protein change: p.Ser1448=; no amino-acid change (serine 1448 retained).
Molecular consequence: synonymous variant.
Genome position (GRCh38, 1-based): chr17:31,259,043, T>C. VCF-style: chr17-31259043-T-C. GRCh37 (hg19) VCF-style: chr17-29586061-T-C.
Other names: c.4281T>C, p.Ser1427= (NM_000267.4).
Identifiers: ClinVar variation 481905 (VCV000481905.11), dbSNP rs1555618644, ClinGen allele CA499233581.
Genomic context (GRCh38, chr17:31,259,043, plus strand): 5'-TTCATACAATAAATAATCTGATTATTTATAACCCTGTTTTATTGTGTAGATACTTCAGAG[T>C]ATTGCCAATCATGTTCTCTTCACAAAAGAAGAACATATGCGGCCTTTCAATGATTTTGTG-3'
Protein context (NP_001035957.1, residues 1438-1458): GLKLMSKILQ[Ser1448=]IANHVLFTKE

ClinVar aggregate classification (germline): Benign/Likely benign. Review status: criteria provided, multiple submitters, no conflicts (2 of 4 stars). 4 submissions from 4 submitters: Benign (1); Likely benign (3). Last evaluated 2026-05-19.

Conditions:
Hereditary cancer-predisposing syndrome. Also called: Hereditary neoplastic syndrome; Neoplastic Syndromes, Hereditary; Hereditary Cancer Syndrome; Tumor predisposition. Identifiers: Orphanet 140162, MedGen C0027672, MeSH D009386, MONDO:0015356.
Neurofibromatosis, type 1 (NF1). Also called: Peripheral type neurofibromatosis; Neurofibromatosis, type I; VON RECKLINGHAUSEN DISEASE; NEUROFIBROMATOSIS, TYPE I, SOMATIC. Identifiers: Orphanet 636, MedGen C0027831, MONDO:0018975, OMIM 162200. Disease mechanism: loss of function.

Submissions (4):

Myriad Genetics, Inc.
Classification: Benign for Neurofibromatosis, type 1. Last evaluated: 2026-05-19. Review status: criteria provided, single submitter. Criteria: Myriad Autosomal Dominant, Autosomal Recessive and X-Linked Classification Criteria (2023). Collection method: clinical testing. Allele origin: unknown.
Comment: This variant is considered benign. This variant is a silent/synonymous amino acid change and it is not expected to impact splicing.

Labcorp Genetics (formerly Invitae), Labcorp
Classification: Likely benign for Neurofibromatosis, type 1. Last evaluated: 2025-10-01. Review status: criteria provided, single submitter. Criteria: Invitae Variant Classification Sherloc (09022015). Collection method: clinical testing. Allele origin: germline.

Genome-Nilou Lab
Classification: Likely benign for Neurofibromatosis, type 1. Last evaluated: 2022-03-15. Review status: criteria provided, single submitter. Criteria: ACMG Guidelines, 2015. Collection method: clinical testing. Allele origin: germline. Affected: no.

Ambry Genetics
Classification: Likely benign for Hereditary cancer-predisposing syndrome. Last evaluated: 2016-03-04. Review status: criteria provided, single submitter. Criteria: Ambry Autosomal Dominant and X-Linked criteria (10/2015). Collection method: clinical testing. Allele origin: germline. Observed: 1 variant allele.
Comment: Synonymous alterations with insufficient evidence to classify as benign